The following is an entry in ClinVar:

ClinVar aggregate classification (germline): Uncertain significance. Review status: criteria provided, single submitter (1 of 4 stars). 2 submissions from 2 submitters: Uncertain significance (1). 1 of the submissions does not count toward it. Last evaluated 2019-03-29.

Conditions:
Capillary malformation-arteriovenous malformation 2 (CMAVM2). Identifiers: Orphanet 693912, MedGen C4748670, MONDO:0020785, OMIM 618196.

Submissions (2):

SIB Swiss Institute of Bioinformatics
Classification: Uncertain significance for Capillary malformation-arteriovenous malformation 2. Last evaluated: 2019-03-29. Review status: criteria provided, single submitter. Criteria: ACMG Guidelines, 2015. Collection method: curation. Allele origin: unknown.
Comment: This variant is interpreted as Uncertain significance for Capillary malformation-arteriovenous malformation 2. The following ACMG Tag(s) were applied: PM2: Absent from controls (or at extremely low frequency if recessive) in Exome Sequencing Project, 1000 Genomes Project, or Exome Aggregation Consortium. PP3: Multiple lines of computational evidence support a deleterious effect on the gene or gene product. PP1: Cosegregation with disease in multiple affected family members in a gene definitively known to cause the disease.

OMIM
Classification: Pathogenic for CAPILLARY MALFORMATION-ARTERIOVENOUS MALFORMATION 2. Last evaluated: 2018-11-27. Review status: no assertion criteria provided. Collection method: literature only. Allele origin: germline. Not counted in ClinVar's aggregate classification.

Literature cited by the submitters: PubMed 28687708 (cited by SIB Swiss Institute of Bioinformatics and OMIM).

NM_004444.5(EPHB4):c.802T>C (p.Cys268Arg)

Gene: EPHB4 (EPH receptor B4; minus strand). Cytogenetic location: 7q22.1.
Variant type: single nucleotide variant.
Coding change: c.802T>C on transcript NM_004444.5 (MANE Select); coding-DNA position 802, T replaced by C.
Protein change: p.Cys268Arg; replaces cysteine 268 with arginine.
Molecular consequence: missense variant.
Genome position (GRCh38, 1-based): chr7:100,822,277, A>G on the plus strand (T>C on the coding strand, the complement: EPHB4 is on the minus strand). VCF-style: chr7-100822277-A-G. GRCh37 (hg19) VCF-style: chr7-100419899-A-G.
Other names: short protein forms C268R.
Identifiers: ClinVar variation 590871 (VCV000590871.3), dbSNP rs201816920, ClinGen allele CA368579538.
Genomic context (GRCh38, chr7:100,822,277, plus strand): 5'-TTCAGGACTCTCCCCCGGATGAGCAGCAGTCGCAGGGGAAGCTCCAGCTCTCACCTCGGC[A>G]CTTGGTGTTCCCCTCAGCTGCCTCGAACCCCGGAGCACAGCTGCAGCCCGTGACCGGCTG-3'
Protein context (NP_004435.3, residues 258-278): GFEAAEGNTK[Cys268Arg]RACAQGTFKP